The following is an entry in ClinVar:

ClinVar aggregate classification (germline): Likely benign. Review status: criteria provided, multiple submitters, no conflicts (2 of 4 stars). 2 submissions from 2 submitters: Likely benign (2). Last evaluated 2025-03-04.

gnomAD v4.1: 167 of 1,583,454 alleles (0.011%); highest among the groups gnomAD compares: Middle Eastern, 0.067%; no homozygotes.

Submissions (2):

Mayo Clinic Laboratories, Mayo Clinic
Classification: Likely benign. Last evaluated: 2025-03-04. Review status: criteria provided, single submitter. Criteria: ACMG Guidelines, 2015. Collection method: clinical testing. Allele origin: germline. Observed: 2 variant alleles.
Comment: BP4, BP7, PM2_supporting

Blueprint Genetics
Classification: Likely benign. Last evaluated: 2024-11-18. Review status: criteria provided, single submitter. Criteria: ACMG Guidelines, 2015. Collection method: clinical testing. Allele origin: germline.

NM_001374504.1(TMPRSS6):c.843C>T (p.Tyr281=)

Gene: TMPRSS6 (transmembrane serine protease 6; minus strand). Cytogenetic location: 22q12.3.
Variant type: single nucleotide variant.
Coding change: c.843C>T on transcript NM_001374504.1 (MANE Select); coding-DNA position 843, C replaced by T.
Protein change: p.Tyr281=; no amino-acid change (tyrosine 281 retained).
Molecular consequence: synonymous variant.
Genome position (GRCh38, 1-based): chr22:37,086,413, G>A on the plus strand (C>T on the coding strand, the complement: TMPRSS6 is on the minus strand). VCF-style: chr22-37086413-G-A. GRCh37 (hg19) VCF-style: chr22-37482453-G-A.
Other names: p.Tyr290=; c.843C>T, p.Tyr281= (NM_001289000.2, NM_001289001.2, NM_153609.4).
Identifiers: ClinVar variation 4684485 (VCV004684485.2).